The following is an entry in ClinVar:

ClinVar aggregate classification (germline): Uncertain significance (1 of 4 stars; one submission).

Conditions:
Hereditary cancer-predisposing syndrome. Also called: Hereditary Cancer Syndrome; Neoplastic Syndromes, Hereditary; Tumor predisposition; Hereditary neoplastic syndrome. Identifiers: Orphanet 140162, MedGen C0027672, MeSH D009386, MONDO:0015356.

Submission:

Ambry Genetics
Classification: Uncertain significance for Hereditary cancer-predisposing syndrome. Last evaluated: 2021-10-25. Review status: criteria provided, single submitter. Criteria: Ambry Variant Classification Scheme 2023. Collection method: clinical testing. Allele origin: germline.
Comment: The p.D181Y variant (also known as c.541G>T), located in coding exon 6 of the POLE gene, results from a G to T substitution at nucleotide position 541. The aspartic acid at codon 181 is replaced by tyrosine, an amino acid with highly dissimilar properties. This amino acid position is conserved. In addition, this alteration is predicted to be tolerated by in silico analysis. Since supporting evidence is limited at this time, the clinical significance of this alteration remains unclear.

NM_006231.4(POLE):c.541G>T (p.Asp181Tyr)

Gene: POLE (DNA polymerase epsilon, catalytic subunit; minus strand). Cytogenetic location: 12q24.33.
Variant type: single nucleotide variant.
Coding change: c.541G>T on transcript NM_006231.4 (MANE Select); coding-DNA position 541, G replaced by T.
Protein change: p.Asp181Tyr; replaces aspartic acid 181 with tyrosine.
Molecular consequence: missense variant.
Genome position (GRCh38, 1-based): chr12:132,679,534, C>A on the plus strand (G>T on the coding strand, the complement: POLE is on the minus strand). VCF-style: chr12-132679534-C-A. GRCh37 (hg19) VCF-style: chr12-133256120-C-A.
Other names: short protein forms D181Y.
Identifiers: ClinVar variation 1747435 (VCV001747435.2), dbSNP rs1356223099, ClinGen allele CA387366871.